The following is an entry in ClinVar:

NM_001349206.2(LPIN1):c.-9-9G>T

Gene: LPIN1 (lipin 1; plus strand). Cytogenetic location: 2p25.1.
Variant type: single nucleotide variant.
Coding change: c.-9-9G>T on transcript NM_001349206.2 (MANE Select); 9 bases into the intron before 9 bases upstream of the start codon, G replaced by T.
Molecular consequence: intron variant.
Genome position (GRCh38, 1-based): chr2:11,765,524, G>T. VCF-style: chr2-11765524-G-T. GRCh37 (hg19) VCF-style: chr2-11905650-G-T.
Other names: c.139-9G>T (NM_001261428.3, NM_001349208.2); c.82-9G>T (NM_001349207.2); c.10-9G>T (NM_001261427.3); c.-9-9G>T (NM_001349204.2, NM_001349202.2, NM_001349200.2 and 5 more transcripts).
Identifiers: ClinVar variation 3036641 (VCV003036641.2), dbSNP rs200022895, ClinGen allele CA1533318.

ClinVar aggregate classification (germline): Likely benign (0 of 4 stars; one submission).

Conditions:
LPIN1-related disorder. Also called: LPIN1-related condition.

Allele frequency attached by ClinVar (database versions not stated): TOPMed 0.00002; gnomAD exomes 0.00006; ExAC 0.00009; 1000 Genomes Project 30x 0.00016; 1000 Genomes Project 0.00020.

Submission:

PreventionGenetics, part of Exact Sciences
Classification: Likely benign for LPIN1-related condition. Last evaluated: 2021-02-22. Review status: no assertion criteria provided. Collection method: clinical testing. Allele origin: germline.
Comment: This variant is classified as likely benign based on ACMG/AMP sequence variant interpretation guidelines (Richards et al. 2015 PMID: 25741868, with internal and published modifications).